The following is an entry in ClinVar:

ClinVar aggregate classification (germline): Uncertain significance (1 of 4 stars; one submission).

Conditions:
LRRC45-related disorder. Also called: LRRC45-related condition.

Submission:

PreventionGenetics, part of Exact Sciences
Classification: Uncertain significance for LRRC45-related condition. Last evaluated: 2024-11-25. Review status: criteria provided, single submitter. Criteria: ACMG Guidelines, 2015. Collection method: clinical testing. Allele origin: germline.
Comment: The LRRC45 c.836C>G variant is predicted to result in the amino acid substitution p.Ala279Gly. To our knowledge, this variant has not been reported in the literature or in a large population database (gnomAD), indicating this variant is rare. At this time, the clinical significance of this variant is uncertain due to the absence of conclusive functional and genetic evidence.

NM_144999.4(LRRC45):c.836C>G (p.Ala279Gly)

Gene: LRRC45 (leucine rich repeat containing 45; plus strand). Cytogenetic location: 17q25.3.
Variant type: single nucleotide variant.
Coding change: c.836C>G on transcript NM_144999.4 (MANE Select); coding-DNA position 836, C replaced by G.
Protein change: p.Ala279Gly; replaces alanine 279 with glycine.
Molecular consequence: missense variant.
Genome position (GRCh38, 1-based): chr17:82,027,676, C>G. VCF-style: chr17-82027676-C-G. GRCh37 (hg19) VCF-style: chr17-79985552-C-G.
Other names: short protein forms A279G.
Identifiers: ClinVar variation 4999516 (VCV004999516.1).